The following is an entry in ClinVar:

NM_014889.4(PITRM1):c.27C>T (p.Gly9=)

Genes: PITRM1 (pitrilysin metallopeptidase 1; minus strand), LOC130003177 (ATAC-STARR-seq lymphoblastoid silent region 2073; plus strand). Cytogenetic location: 10p15.2.
Variant type: single nucleotide variant.
Coding change: c.27C>T on transcript NM_014889.4 (MANE Select); coding-DNA position 27, C replaced by T.
Protein change: p.Gly9=; no amino-acid change (glycine 9 retained).
Molecular consequence: synonymous variant. On other transcripts: missense variant (1), 5 prime UTR variant (3), non-coding transcript variant (4).
Genome position (GRCh38, 1-based): chr10:3,172,746, G>A on the plus strand (C>T on the coding strand, the complement: PITRM1 is on the minus strand). VCF-style: chr10-3172746-G-A. GRCh37 (hg19) VCF-style: chr10-3214938-G-A.
Other names: c.27C>T, p.Gly9= (NM_001242307.2, NM_001347725.2); c.34C>T, p.Pro12Ser (NM_001242309.1); c.-545C>T (NM_001347726.2, NM_001347727.2); c.-1274C>T (NM_001347728.2); c.27C>T (NM_001242307.1); short protein forms P12S.
Identifiers: ClinVar variation 2174918 (VCV002174918.5), dbSNP rs771866731, ClinGen allele CA5388378.
Genomic context (GRCh38, chr10:3,172,746, plus strand): 5'-GCGCCGAGCGCCTCCCGTCGCAGCGTCTCACCCGCCGCTCAGCCGCCTCAGCACACACAG[G>A]CCCTGCCGCCCGCCGCAGCGCCACATTGCGCATGACGAGCACCTGGCTGGCGAGGAACCC-3'
Protein context (NP_055704.2, residues 1-19): MWRCGGRQ[Gly9=]LCVLRRLSGG

ClinVar aggregate classification (germline): Conflicting classifications of pathogenicity. Review status: criteria provided, conflicting classifications (1 of 4 stars). 2 submissions from 2 submitters: Uncertain significance (1); Likely benign (1). Last evaluated 2025-06-09.

Allele frequency attached by ClinVar (database versions not stated): ExAC 0.00008; 1000 Genomes Project 30x 0.00047.
gnomAD v4.1: 70 of 1,545,596 alleles (0.0045%); highest among the groups gnomAD compares: East Asian, 0.13%; no homozygotes.

Submissions (2):

Labcorp Genetics (formerly Invitae), Labcorp
Classification: Uncertain significance. Last evaluated: 2025-06-09. Review status: criteria provided, single submitter. Criteria: Invitae Variant Classification Sherloc (09022015). Collection method: clinical testing. Allele origin: germline.
Comment: This sequence change replaces proline, which is neutral and non-polar, with serine, which is neutral and polar, at codon 12 of the PITRM1 protein (p.Pro12Ser). This variant is present in population databases (rs771866731, gnomAD 0.1%). This variant has not been reported in the literature in individuals affected with PITRM1-related conditions. ClinVar contains an entry for this variant (Variation ID: 2174918). An algorithm developed to predict the effect of missense changes on protein structure and function (PolyPhen-2) suggests that this variant is likely to be tolerated. In summary, the available evidence is currently insufficient to determine the role of this variant in disease. Therefore, it has been classified as a Variant of Uncertain Significance.

Ambry Genetics
Classification: Likely benign. Last evaluated: 2023-11-07. Review status: criteria provided, single submitter. Criteria: Ambry Variant Classification Scheme 2023. Collection method: clinical testing. Allele origin: germline.